The following is an entry in ClinVar:

NM_001384140.1(PCDH15):c.1651G>A (p.Gly551Arg)

Gene: PCDH15 (protocadherin related 15; minus strand). Cytogenetic location: 10q21.1.
Variant type: single nucleotide variant.
Coding change: c.1651G>A on transcript NM_001384140.1 (MANE Select); coding-DNA position 1651, G replaced by A.
Protein change: p.Gly551Arg; replaces glycine 551 with arginine.
Molecular consequence: missense variant.
Genome position (GRCh38, 1-based): chr10:54,153,233, C>T on the plus strand (G>A on the coding strand, the complement: PCDH15 is on the minus strand). VCF-style: chr10-54153233-C-T. GRCh37 (hg19) VCF-style: chr10-55912993-C-T.
Other names: c.1666G>A, p.Gly556Arg (NM_001142763.2, NM_001142771.2); c.1651G>A, p.Gly551Arg (NM_001142764.2, NM_001142765.2, NM_001142766.2 and 6 more transcripts); c.1540G>A, p.Gly514Arg (NM_001142767.2); c.1585G>A, p.Gly529Arg (NM_001142768.2, NM_001142773.2, NM_001354404.2); c.1687G>A, p.Gly563Arg (NM_001142769.4); c.1672G>A, p.Gly558Arg (NM_001354411.2); short protein forms G514R, G529R, G551R, G556R, G558R, G563R.
Identifiers: ClinVar variation 1195780 (VCV001195780.7), dbSNP rs764162624, ClinGen allele CA5506299.

ClinVar aggregate classification (germline): Uncertain significance. Review status: criteria provided, multiple submitters, no conflicts (2 of 4 stars). 3 submissions from 3 submitters: Uncertain significance (2). 1 of the submissions does not count toward it. Last evaluated 2026-01-23.

Conditions:
Usher syndrome type 1F (USH1F). Also called: USHER SYNDROME, TYPE IF. Identifiers: Orphanet 231169, Orphanet 886, MedGen C1865885, MONDO:0011186, OMIM 602083.

Allele frequency attached by ClinVar (database versions not stated): gnomAD exomes 0.00001; TOPMed 0.00001; ExAC 0.00002.
gnomAD v4.1: 3 of 1,613,848 alleles (0.00019%); highest among the groups gnomAD compares: Admixed American, 0.005%; no homozygotes.

Submissions (3):

GeneDx
Classification: Uncertain significance. Last evaluated: 2026-01-23. Review status: criteria provided, single submitter. Criteria: GeneDx Variant Classification Process June 2021. Collection method: clinical testing. Allele origin: germline. Affected: yes.
Comment: Identified in the heterozygous state in a patient with sensorineural hearing loss in published literature (PMID: 34515852); In silico analysis supports that this missense variant has a deleterious effect on protein structure/function; This variant is associated with the following publications: (PMID: 34515852)

Labcorp Genetics (formerly Invitae), Labcorp
Classification: Uncertain significance. Last evaluated: 2021-09-01. Review status: criteria provided, single submitter. Criteria: Invitae Variant Classification Sherloc (09022015). Collection method: clinical testing. Allele origin: germline.
Comment: This sequence change replaces glycine with arginine at codon 551 of the PCDH15 protein (p.Gly551Arg). The glycine residue is highly conserved and there is a moderate physicochemical difference between glycine and arginine. This variant is present in population databases (rs764162624, ExAC 0.02%). This variant has not been reported in the literature in individuals affected with PCDH15-related conditions. Algorithms developed to predict the effect of missense changes on protein structure and function are either unavailable or do not agree on the potential impact of this missense change (SIFT: "Deleterious"; PolyPhen-2: "Probably Damaging"; Align-GVGD: "Class C15"). Algorithms developed to predict the effect of sequence changes on RNA splicing suggest that this variant may create or strengthen a splice site. In summary, the available evidence is currently insufficient to determine the role of this variant in disease. Therefore, it has been classified as a Variant of Uncertain Significance.

Natera, Inc.
Classification: Uncertain significance for Usher syndrome type 1F. Last evaluated: 2020-03-31. Review status: no assertion criteria provided. Collection method: clinical testing. Allele origin: germline. Not counted in ClinVar's aggregate classification.